The following is an entry in ClinVar:

ClinVar aggregate classification (germline): Uncertain significance. Review status: criteria provided, multiple submitters, no conflicts (2 of 4 stars). 2 submissions from 2 submitters: Uncertain significance (2). Last evaluated 2025-03-05.

Conditions:
Koolen-de Vries syndrome (KDVS). Identifiers: Orphanet 96169, MedGen C1864871, MONDO:0012496, OMIM 610443.

Allele frequency attached by ClinVar (database versions not stated): TOPMed below 0.00001; gnomAD 0.00001; gnomAD exomes 0.00001.
gnomAD v4.1: 16 of 1,613,998 alleles (0.00099%); highest among the groups gnomAD compares: Non-Finnish European, 0.0012%; no homozygotes.

Submissions (2):

Labcorp Genetics (formerly Invitae), Labcorp
Classification: Uncertain significance for Koolen-de Vries syndrome. Last evaluated: 2025-03-05. Review status: criteria provided, single submitter. Criteria: Invitae Variant Classification Sherloc (09022015). Collection method: clinical testing. Allele origin: germline.
Comment: This sequence change replaces arginine, which is basic and polar, with tryptophan, which is neutral and slightly polar, at codon 1074 of the KANSL1 protein (p.Arg1074Trp). This variant is present in population databases (no rsID available, gnomAD 0.0009%). This variant has not been reported in the literature in individuals affected with KANSL1-related conditions. ClinVar contains an entry for this variant (Variation ID: 2769000). Invitae Evidence Modeling of protein sequence and biophysical properties (such as structural, functional, and spatial information, amino acid conservation, physicochemical variation, residue mobility, and thermodynamic stability) indicates that this missense variant is not expected to disrupt KANSL1 protein function with a negative predictive value of 80%. In summary, the available evidence is currently insufficient to determine the role of this variant in disease. Therefore, it has been classified as a Variant of Uncertain Significance.

Fulgent Genetics
Classification: Uncertain significance for Koolen-de Vries syndrome. Last evaluated: 2024-03-28. Review status: criteria provided, single submitter. Criteria: ACMG Guidelines, 2015. Collection method: clinical testing. Allele origin: germline.

NM_015443.4(KANSL1):c.3220C>T (p.Arg1074Trp)

Gene: KANSL1 (KAT8 regulatory NSL complex subunit 1). Cytogenetic location: 17q21.31.
Variant type: single nucleotide variant.
Coding change: c.3220C>T on transcript NM_015443.4 (MANE Select); coding-DNA position 3220, C replaced by T.
Protein change: p.Arg1074Trp; replaces arginine 1074 with tryptophan.
Molecular consequence: missense variant.
Genome position (GRCh38, 1-based): chr17:46,031,574, G>A on the plus strand (C>T on the coding strand, the complement: KANSL1 is on the minus strand). VCF-style: chr17-46031574-G-A. GRCh37 (hg19) VCF-style: chr17-44108940-G-A.
Other names: c.3217C>T, p.Arg1073Trp (NM_001193465.2, NM_001405856.1, NM_001405857.1 and 1 more transcripts); c.3220C>T, p.Arg1074Trp (NM_001193466.2, NM_001379198.1, NM_001405854.1 and 1 more transcripts); c.3118C>T, p.Arg1040Trp (NM_001405859.1, NM_001405860.1); c.3115C>T, p.Arg1039Trp (NM_001405861.1); c.3088C>T, p.Arg1030Trp (NM_001405872.1, NM_001405873.1, NM_001405874.1); c.3031C>T, p.Arg1011Trp (NM_001405875.1, NM_001405876.1, NM_001405877.1 and 1 more transcripts); c.3028C>T, p.Arg1010Trp (NM_001405879.1, NM_001405880.1); c.2983C>T, p.Arg995Trp (NM_001405881.1); and 4 more; short protein forms R1011W, R1039W, R1040W, R651W, R589W, R1074W, R588W, R995W.
Identifiers: ClinVar variation 2769000 (VCV002769000.4), dbSNP rs1380751165, ClinGen allele CA399985852.